The following is an entry in ClinVar:

ClinVar aggregate classification (germline): Uncertain significance. Review status: criteria provided, multiple submitters, no conflicts (2 of 4 stars). 2 submissions from 2 submitters: Uncertain significance (2). Last evaluated 2025-01-09.

Conditions:
Inborn genetic diseases. Identifiers: MedGen C0950123, MeSH D030342.

Allele frequency attached by ClinVar (database versions not stated): gnomAD exomes below 0.00001 and 0.00001; gnomAD 0.00001; TOPMed 0.00003.
gnomAD v4.1: 6 of 1,579,046 alleles (0.00038%); highest among the groups gnomAD compares: Admixed American, 0.002%; no homozygotes.

Submissions (2):

Ambry Genetics
Classification: Uncertain significance for Inborn genetic diseases. Last evaluated: 2025-01-09. Review status: criteria provided, single submitter. Criteria: Ambry Variant Classification Scheme 2023. Collection method: clinical testing. Allele origin: germline.

Labcorp Genetics (formerly Invitae), Labcorp
Classification: Uncertain significance. Last evaluated: 2021-09-01. Review status: criteria provided, single submitter. Criteria: Invitae Variant Classification Sherloc (09022015). Collection method: clinical testing. Allele origin: germline.
Comment: This sequence change replaces glutamic acid with aspartic acid at codon 1164 of the RTTN protein (p.Glu1164Asp). The glutamic acid residue is moderately conserved and there is a small physicochemical difference between glutamic acid and aspartic acid. This variant is not present in population databases (ExAC no frequency). This variant has not been reported in the literature in individuals affected with RTTN-related conditions. Algorithms developed to predict the effect of missense changes on protein structure and function (SIFT, PolyPhen-2, Align-GVGD) all suggest that this variant is likely to be tolerated. In summary, the available evidence is currently insufficient to determine the role of this variant in disease. Therefore, it has been classified as a Variant of Uncertain Significance.

NM_173630.4(RTTN):c.3492A>C (p.Glu1164Asp)

Gene: RTTN (rotatin; minus strand). Cytogenetic location: 18q22.2.
Variant type: single nucleotide variant.
Coding change: c.3492A>C on transcript NM_173630.4 (MANE Select); coding-DNA position 3492, A replaced by C.
Protein change: p.Glu1164Asp; replaces glutamic acid 1164 with aspartic acid.
Molecular consequence: missense variant.
Genome position (GRCh38, 1-based): chr18:70,121,592, T>G on the plus strand (A>C on the coding strand, the complement: RTTN is on the minus strand). VCF-style: chr18-70121592-T-G. GRCh37 (hg19) VCF-style: chr18-67788828-T-G.
Other names: c.756A>C, p.Glu252Asp (NM_001318520.2); c.3492A>C (NM_173630.3); short protein forms E1164D, E252D.
Identifiers: ClinVar variation 1512172 (VCV001512172.6), dbSNP rs865910770, ClinGen allele CA301958482.